The following is an entry in ClinVar:

NM_004963.4(GUCY2C):c.955C>T (p.Arg319Ter)

Genes: GUCY2C (guanylate cyclase 2C; minus strand), GUCY2C-AS1 (GUCY2C antisense RNA 1; plus strand). Cytogenetic location: 12p12.3.
Variant type: single nucleotide variant.
Coding change: c.955C>T on transcript NM_004963.4 (MANE Select); coding-DNA position 955, C replaced by T.
Protein change: p.Arg319Ter; replaces arginine 319 with a stop codon.
Molecular consequence: nonsense.
Genome position (GRCh38, 1-based): chr12:14,674,754, G>A on the plus strand (C>T on the coding strand, the complement: GUCY2C is on the minus strand). VCF-style: chr12-14674754-G-A. GRCh37 (hg19) VCF-style: chr12-14827688-G-A.
Other names: short protein forms R319*.
Identifiers: ClinVar variation 2985064 (VCV002985064.4), dbSNP rs760164631, ClinGen allele CA6463594.

ClinVar aggregate classification (germline): Conflicting classifications of pathogenicity. Review status: criteria provided, conflicting classifications (1 of 4 stars). 2 submissions from 2 submitters: Likely pathogenic (1); Uncertain significance (1). Last evaluated 2023-10-16.

Conditions:
Intestinal obstruction in the newborn due to guanylate cyclase 2C deficiency. Identifiers: Orphanet 314376, MedGen C4518781, MONDO:0013843, OMIM 614665.

Allele frequency attached by ClinVar (database versions not stated): gnomAD 0.00001; gnomAD exomes 0.00001; ExAC 0.00002.
gnomAD v4.1: 21 of 1,601,622 alleles (0.0013%); highest among the groups gnomAD compares: South Asian, 0.0067%; no homozygotes.

Submissions (2):

Department of Pathology and Laboratory Medicine, Sinai Health System
Classification: Likely pathogenic for Intestinal obstruction in the newborn due to guanylate cyclase 2C deficiency. Last evaluated: 2023-10-16. Review status: criteria provided, single submitter. Criteria: ACMG Guidelines, 2015. Collection method: research. Allele origin: germline.

Labcorp Genetics (formerly Invitae), Labcorp
Classification: Uncertain significance. Last evaluated: 2023-09-17. Review status: criteria provided, single submitter. Criteria: Invitae Variant Classification Sherloc (09022015). Collection method: clinical testing. Allele origin: germline.
Comment: In summary, the available evidence is currently insufficient to determine the role of this variant in disease. Therefore, it has been classified as a Variant of Uncertain Significance. Experimental studies and prediction algorithms are not available or were not evaluated, and the functional significance of this variant is currently unknown. This variant has not been reported in the literature in individuals affected with GUCY2C-related conditions. This variant is present in population databases (rs760164631, gnomAD 0.01%). This sequence change creates a premature translational stop signal (p.Arg319*) in the GUCY2C gene. It is expected to result in an absent or disrupted protein product. However, the current clinical and genetic evidence is not sufficient to establish whether loss-of-function variants in GUCY2C cause disease.